The following is an entry in ClinVar:

NM_005560.6(LAMA5):c.3930C>A (p.His1310Gln)

Gene: LAMA5 (laminin subunit alpha 5; minus strand). Cytogenetic location: 20q13.33.
Variant type: single nucleotide variant.
Coding change: c.3930C>A on transcript NM_005560.6 (MANE Select); coding-DNA position 3930, C replaced by A.
Protein change: p.His1310Gln; replaces histidine 1310 with glutamine.
Molecular consequence: missense variant.
Genome position (GRCh38, 1-based): chr20:62,330,537, G>T on the plus strand (C>A on the coding strand, the complement: LAMA5 is on the minus strand). VCF-style: chr20-62330537-G-T. GRCh37 (hg19) VCF-style: chr20-60905593-G-T.
Other names: short protein forms H1310Q.
Identifiers: ClinVar variation 1494793 (VCV001494793.3), dbSNP rs777262295, ClinGen allele CA9942805.
Genomic context (GRCh38, chr20:62,330,537, plus strand): 5'-CAGACACTCACCCTGCCACACGCGGCCGGCGTTGATGAGGACTTCCACGGGGAAGGTGGG[G>T]TGGGCTGGCTGGTAGCCGTGCAGCAGGAAGGCATAGCGGCCCAGCGTGGGCACATGGGTG-3'
Protein context (NP_005551.3, residues 1300-1320): AFLLHGYQPA[His1310Gln]PTFPVEVLIN

ClinVar aggregate classification (germline): Uncertain significance (1 of 4 stars; one submission).

Allele frequency attached by ClinVar (database versions not stated): gnomAD exomes 0.00003; TOPMed below 0.00001; ExAC 0.00003.
gnomAD v4.1: 18 of 1,581,320 alleles (0.0011%); highest among the groups gnomAD compares: Admixed American, 0.0037%; no homozygotes.

Submission:

Labcorp Genetics (formerly Invitae), Labcorp
Classification: Uncertain significance. Last evaluated: 2021-11-23. Review status: criteria provided, single submitter. Criteria: Invitae Variant Classification Sherloc (09022015). Collection method: clinical testing. Allele origin: germline.
Comment: This sequence change replaces histidine, which is basic and polar, with glutamine, which is neutral and polar, at codon 1310 of the LAMA5 protein (p.His1310Gln). This variant is present in population databases (rs777262295, gnomAD 0.005%). This variant has not been reported in the literature in individuals affected with LAMA5-related conditions. Algorithms developed to predict the effect of missense changes on protein structure and function are either unavailable or do not agree on the potential impact of this missense change (SIFT: "Deleterious"; PolyPhen-2: "Probably Damaging"; Align-GVGD: "Class C0"). In summary, the available evidence is currently insufficient to determine the role of this variant in disease. Therefore, it has been classified as a Variant of Uncertain Significance.